The following is an entry in ClinVar:

NM_001005361.3(DNM2):c.1782-11C>T

Gene: DNM2 (dynamin 2; plus strand). Cytogenetic location: 19p13.2.
Variant type: single nucleotide variant.
Coding change: c.1782-11C>T on transcript NM_001005361.3 (MANE Select); 11 bases into the intron before coding-DNA position 1782, C replaced by T.
Molecular consequence: intron variant.
Genome position (GRCh38, 1-based): chr19:10,823,777, C>T. VCF-style: chr19-10823777-C-T. GRCh37 (hg19) VCF-style: chr19-10934453-C-T.
Other names: c.1782-11C>T (NM_001005360.3, NM_001190716.2); c.1770-11C>T (NM_004945.4, NM_001005362.3).
Identifiers: ClinVar variation 158517 (VCV000158517.23), dbSNP rs78580529, ClinGen allele CA172106.

ClinVar aggregate classification (germline): Benign. Review status: criteria provided, multiple submitters, no conflicts (2 of 4 stars). 7 submissions from 6 submitters: Benign (7). Last evaluated 2026-01-27.

Conditions:
Autosomal dominant centronuclear myopathy. Also called: Myopathy, centronuclear, 3; MYOTUBULAR MYOPATHY, AUTOSOMAL DOMINANT. Identifiers: Orphanet 169189, MedGen C4551952, MeSH D020914, MONDO:0008048, OMIM 160150.
Charcot-Marie-Tooth disease dominant intermediate B (CMTDIB). Also called: Charcot-Marie-Tooth disease dominant intermediate 1; CMT DI1; Charcot-Marie-Tooth disease dominant intermediate I; CHARCOT-MARIE-TOOTH NEUROPATHY, DOMINANT INTERMEDIATE B. Identifiers: Orphanet 100044, Orphanet 228179, MedGen C1847902, MONDO:0011674, OMIM 606482.

Allele frequency attached by ClinVar (database versions not stated): gnomAD 0.00859 and 0.00921; TOPMed 0.00953; 1000 Genomes Project 0.01018; 1000 Genomes Project 30x 0.01046; ESP Exome Variant Server 0.01115.
gnomAD v4.1: 2,532 of 1,604,020 alleles (0.16%); highest among the groups gnomAD compares: African/African-American, 3.1%; 39 homozygotes.

Submissions (7):

Labcorp Genetics (formerly Invitae), Labcorp
Classification: Benign for Charcot-Marie-Tooth disease dominant intermediate B. Last evaluated: 2026-01-27. Review status: criteria provided, single submitter. Criteria: Invitae Variant Classification Sherloc (09022015). Collection method: clinical testing. Allele origin: germline.

ARUP Laboratories, Molecular Genetics and Genomics, ARUP Laboratories
Classification: Benign. Last evaluated: 2024-02-14. Review status: criteria provided, single submitter. Criteria: ARUP Molecular Germline Variant Investigation Process 2024. Collection method: clinical testing. Allele origin: germline.

Illumina Laboratory Services, Illumina
Classification: Benign for Autosomal dominant centronuclear myopathy. Last evaluated: 2018-01-12. Review status: criteria provided, single submitter. Criteria: ICSL Variant Classification Criteria 13 December 2019. Collection method: clinical testing. Allele origin: germline.
Comment: This variant was observed in the ICSL laboratory as part of a predisposition screen in an ostensibly healthy population. It had not been previously curated by ICSL or reported in the Human Gene Mutation Database (HGMD: prior to June 1st, 2018), and was therefore a candidate for classification through an automated scoring system. Utilizing variant allele frequency, disease prevalence and penetrance estimates, and inheritance mode, an automated score was calculated to assess if this variant is too frequent to cause the disease. Based on the score and internal cut-off values, a variant classified as benign is not then subjected to further curation. The score for this variant resulted in a classification of benign for this disease.

Illumina Laboratory Services, Illumina
Classification: Benign for Charcot-Marie-Tooth disease dominant intermediate B. Last evaluated: 2018-01-12. Review status: criteria provided, single submitter. Criteria: ICSL Variant Classification Criteria 13 December 2019. Collection method: clinical testing. Allele origin: germline.
Comment: the same text as in the submission from Illumina Laboratory Services, Illumina above.

GeneDx
Classification: Benign. Last evaluated: 2015-12-08. Review status: criteria provided, single submitter. Criteria: GeneDx Variant Classification (06012015). Collection method: clinical testing. Allele origin: germline. Affected: yes.
Comment: This variant is considered likely benign or benign based on one or more of the following criteria: it is a conservative change, it occurs at a poorly conserved position in the protein, it is predicted to be benign by multiple in silico algorithms, and/or has population frequency not consistent with disease.

Genetic Services Laboratory, University of Chicago
Classification: Benign. Last evaluated: 2013-02-08. Review status: criteria provided, single submitter. Criteria: ACMG Guidelines, 2007. Collection method: clinical testing. Allele origin: germline. Inheritance: Autosomal dominant inheritance.

Breakthrough Genomics
Classification: Benign. Review status: criteria provided, single submitter. Criteria: ACMG Guidelines, 2015. Collection method: not provided. Allele origin: germline. Inheritance: Autosomal recessive inheritance. Affected: yes.